The following is an entry in ClinVar:

NM_018718.3(CEP41):c.298G>A (p.Asp100Asn)

Gene: CEP41 (centrosomal protein 41; minus strand). Cytogenetic location: 7q32.2.
Variant type: single nucleotide variant.
Coding change: c.298G>A on transcript NM_018718.3 (MANE Select); coding-DNA position 298, G replaced by A.
Protein change: p.Asp100Asn; replaces aspartic acid 100 with asparagine.
Molecular consequence: missense variant. On other transcripts: non-coding transcript variant (1).
Genome position (GRCh38, 1-based): chr7:130,404,688, C>T on the plus strand (G>A on the coding strand, the complement: CEP41 is on the minus strand). VCF-style: chr7-130404688-C-T. GRCh37 (hg19) VCF-style: chr7-130044529-C-T.
Other names: c.298G>A, p.Asp100Asn (NM_001257158.2); c.250G>A, p.Asp84Asn (NM_001257159.2); short protein forms D100N, D84N.
Identifiers: ClinVar variation 1468771 (VCV001468771.8), dbSNP rs150251054, ClinGen allele CA369289419.

ClinVar aggregate classification (germline): Uncertain significance (1 of 4 stars; one submission).

Conditions:
Joubert syndrome 15 (JBTS15). Identifiers: Orphanet 475, MedGen C3280897, MONDO:0013763, OMIM 614464.

Submission:

Labcorp Genetics (formerly Invitae), Labcorp
Classification: Uncertain significance for Joubert syndrome 15. Last evaluated: 2020-12-27. Review status: criteria provided, single submitter. Criteria: Invitae Variant Classification Sherloc (09022015). Collection method: clinical testing. Allele origin: germline.
Comment: In summary, the available evidence is currently insufficient to determine the role of this variant in disease. Therefore, it has been classified as a Variant of Uncertain Significance. Algorithms developed to predict the effect of missense changes on protein structure and function are either unavailable or do not agree on the potential impact of this missense change (SIFT: "Deleterious"; PolyPhen-2: "Benign"; Align-GVGD: "Class C0"). This variant has not been reported in the literature in individuals with CEP41-related conditions. This variant is not present in population databases (ExAC no frequency). This sequence change replaces aspartic acid with asparagine at codon 100 of the CEP41 protein (p.Asp100Asn). The aspartic acid residue is moderately conserved and there is a small physicochemical difference between aspartic acid and asparagine.